The following is an entry in ClinVar:

NM_005422.4(TECTA):c.163G>A (p.Val55Ile)

Genes: TBCEL-TECTA (TBCEL-TECTA readthrough; plus strand), TECTA (tectorin alpha; plus strand). Cytogenetic location: 11q23.3.
Variant type: single nucleotide variant.
Coding change: c.163G>A on transcript NM_005422.4 (MANE Select); coding-DNA position 163, G replaced by A.
Protein change: p.Val55Ile; replaces valine 55 with isoleucine.
Molecular consequence: missense variant.
Genome position (GRCh38, 1-based): chr11:121,105,929, G>A. VCF-style: chr11-121105929-G-A. GRCh37 (hg19) VCF-style: chr11-120976638-G-A.
Other names: c.1120G>A, p.Val374Ile (NM_001378761.1); short protein forms V374I, V55I.
Identifiers: ClinVar variation 3966941 (VCV003966941.2).

ClinVar aggregate classification (germline): Uncertain significance. Review status: criteria provided, multiple submitters, no conflicts (2 of 4 stars). 2 submissions from 2 submitters: Uncertain significance (2). Last evaluated 2026-08-19.

Conditions:
TECTA-related disorder. Also called: TECTA-related condition.
Inborn genetic diseases. Identifiers: MedGen C0950123, MeSH D030342.

gnomAD v4.1: 6 of 1,614,118 alleles (0.00037%); highest among the groups gnomAD compares: African/African-American, 0.0053%; no homozygotes.

Submissions (2):

PreventionGenetics, part of Exact Sciences
Classification: Uncertain significance for TECTA-related condition. Last evaluated: 2026-08-19. Review status: criteria provided, single submitter. Criteria: ACMG Guidelines, 2015. Collection method: clinical testing. Allele origin: germline.
Comment: The TECTA c.163G>A variant is predicted to result in the amino acid substitution p.Val55Ile. To our knowledge, this variant has not been reported in the literature. This variant is reported in 0.011% of alleles in individuals of African descent in gnomAD. At this time, the clinical significance of this variant is uncertain due to the absence of conclusive functional and genetic evidence.

Ambry Genetics
Classification: Uncertain significance for Inborn genetic diseases. Last evaluated: 2025-06-08. Review status: criteria provided, single submitter. Criteria: Ambry Variant Classification Scheme 2023. Collection method: clinical testing. Allele origin: germline.